The following is an entry in ClinVar:

NM_001356.5(DDX3X):c.7dup (p.His3fs)

Gene: DDX3X (DEAD-box helicase 3 X-linked; plus strand). Cytogenetic location: Xp11.4.
Variant type: Duplication.
Coding change: c.7dup on transcript NM_001356.5 (MANE Select); coding-DNA position 7, one base duplicated (C; older notation c.7dupC).
Protein change: p.His3fs; shifts the reading frame from histidine 3.
Molecular consequence: frameshift variant. On other transcripts: 5 prime UTR variant (1), non-coding transcript variant (2).
Genome position (GRCh38, 1-based): chrX:41,334,259, C duplicated. VCF-style (leftmost placement, unchanged base first): chrX-41334258-T-TC. GRCh37 (hg19) VCF-style: chrX-41193511-T-TC.
Other names: c.-1897dup (NM_001363819.1); c.7dup, p.His3fs (NM_001193416.3, NM_001193417.3); short protein forms H3fs.
Identifiers: ClinVar variation 2584424 (VCV002584424.1), dbSNP rs2519481050, ClinGen allele CA2582342901.
Genomic context (GRCh38, chrX:41,334,258, plus strand): 5'-GGAACAAACACTCGCTTAGCAGCGGAAGACTCCGAGTTCTCGGTACTCTTCAGGGATGAG[T>TC]CATGTGGCAGTGGAAAATGCGCTCGGGCTGGACCAGCAGGTGAGCCGCAAGAACCCCACC-3'

ClinVar aggregate classification (germline): Likely pathogenic (1 of 4 stars; one submission).

Conditions:
DDX3X-Related Neurodevelopmental Disorder. Identifiers: MedGen CN381519.

Submission:

Rady Children's Institute for Genomic Medicine, Rady Children's Hospital San Diego
Classification: Likely pathogenic for DDX3X-Related Neurodevelopmental Disorder. Review status: criteria provided, single submitter. Criteria: ACMG Guidelines, 2015. Collection method: clinical testing. Allele origin: germline. Affected: yes.
Comment: This frameshifting variant in exon 1 of 17 introduces a premature stop codon and is therefore predicted to result in loss of normal protein function through either protein truncation or nonsense-mediated mRNA decay (NMD). This variant has not been previously reported or functionally characterized in the literature to our knowledge. Loss-of-function variation in DDX3X is an established mechanism of disease (PMID: 26235985). The c.7dup (p.His3ProfsTer24) variant is absent from the gnomAD population database and thus is presumed to be rare. Based on the available evidence, the c.7dup (p.His3ProfsTer24) variant is classified as Likely Pathogenic.